The following is an entry in ClinVar:

NM_031418.4(ANO3):c.2697del (p.Tyr900fs)

Gene: ANO3 (anoctamin 3; plus strand). Cytogenetic location: 11p14.2.
Variant type: Deletion.
Coding change: c.2697del on transcript NM_031418.4 (MANE Select); coding-DNA position 2697, one base deleted (C; older notation c.2697delC).
Protein change: p.Tyr900fs; shifts the reading frame from tyrosine 900.
Molecular consequence: frameshift variant.
Genome position (GRCh38, 1-based): chr11:26,656,415, C deleted; the last of 3 consecutive C bases (chr11:26,656,413-26,656,415); deleting any one gives the same sequence. VCF-style (leftmost placement, unchanged base first): chr11-26656412-AC-A. GRCh37 (hg19) VCF-style: chr11-26677959-AC-A.
Other names: c.2880del, p.Tyr961fs (NM_001313726.2); c.2259del, p.Tyr754fs (NM_001313727.2); short protein forms Y961fs, Y754fs, Y900fs.
Identifiers: ClinVar variation 2104683 (VCV002104683.4), dbSNP rs1853691181, ClinGen allele CA2580082881.

ClinVar aggregate classification (germline): Uncertain significance (1 of 4 stars; one submission).

Conditions:
Dystonic disorder. Also called: Dystonia. Identifiers: MedGen C0013421, MONDO:0003441, HP:0001332.

Submission:

Labcorp Genetics (formerly Invitae), Labcorp
Classification: Uncertain significance for Dystonic disorder. Last evaluated: 2024-11-05. Review status: criteria provided, single submitter. Criteria: Invitae Variant Classification Sherloc (09022015). Collection method: clinical testing. Allele origin: germline.
Comment: This sequence change creates a premature translational stop signal (p.Tyr900Metfs*35) in the ANO3 gene. While this is not anticipated to result in nonsense mediated decay, it is expected to disrupt the last 82 amino acid(s) of the ANO3 protein. This variant is not present in population databases (gnomAD no frequency). This variant has not been reported in the literature in individuals affected with ANO3-related conditions. ClinVar contains an entry for this variant (Variation ID: 2104683). Experimental studies and prediction algorithms are not available or were not evaluated, and the functional significance of this variant is currently unknown. In summary, the available evidence is currently insufficient to determine the role of this variant in disease. Therefore, it has been classified as a Variant of Uncertain Significance.